The following is an entry in ClinVar:

ClinVar aggregate classification (germline): Uncertain significance (1 of 4 stars; one submission).

Conditions:
Cardiovascular phenotype. Identifiers: MedGen CN230736.

Submission:

Ambry Genetics
Classification: Uncertain significance for Cardiovascular phenotype. Last evaluated: 2023-02-08. Review status: criteria provided, single submitter. Criteria: Ambry Variant Classification Scheme 2023. Collection method: clinical testing. Allele origin: germline.
Comment: The p.Y406H variant (also known as c.1216T>C), located in coding exon 8 of the LMF1 gene, results from a T to C substitution at nucleotide position 1216. The tyrosine at codon 406 is replaced by histidine, an amino acid with similar properties. This amino acid position is conserved. In addition, this alteration is predicted to be deleterious by in silico analysis. Since supporting evidence is limited at this time, the clinical significance of this alteration remains unclear.

NM_022773.4(LMF1):c.1216T>C (p.Tyr406His)

Gene: LMF1 (lipase maturation factor 1; minus strand). Cytogenetic location: 16p13.3.
Variant type: single nucleotide variant.
Coding change: c.1216T>C on transcript NM_022773.4 (MANE Select); coding-DNA position 1216, T replaced by C.
Protein change: p.Tyr406His; replaces tyrosine 406 with histidine.
Molecular consequence: missense variant. On other transcripts: non-coding transcript variant (1).
Genome position (GRCh38, 1-based): chr16:870,745, A>G on the plus strand (T>C on the coding strand, the complement: LMF1 is on the minus strand). VCF-style: chr16-870745-A-G. GRCh37 (hg19) VCF-style: chr16-920745-A-G.
Other names: c.565T>C, p.Tyr189His (NM_001352017.2, NM_001352021.2); c.817T>C, p.Tyr273His (NM_001352018.2); c.889T>C, p.Tyr297His (NM_001352019.2); c.1216T>C, p.Tyr406His (NM_001352020.1); short protein forms Y273H, Y297H, Y406H, Y189H.
Identifiers: ClinVar variation 2451809 (VCV002451809.2), dbSNP rs2151700910, ClinGen allele CA394125930.